The following is an entry in ClinVar:

ClinVar aggregate classification (germline): Uncertain significance (1 of 4 stars; one submission).

Conditions:
Periventricular nodular heterotopia 7 (PVNH7). Identifiers: MedGen C4310669, MONDO:0014966, OMIM 617201.

Submission:

Institute of Human Genetics, University of Goettingen
Classification: Uncertain significance for Periventricular nodular heterotopia 7. Last evaluated: 2024-08-15. Review status: criteria provided, single submitter. Criteria: ACMG Guidelines, 2015. Collection method: clinical testing. Allele origin: unknown. Inheritance: Sporadic. Affected: yes.
Comment: PM2

NM_001144967.3(NEDD4L):c.764T>C (p.Ile255Thr)

Gene: NEDD4L (NEDD4 like E3 ubiquitin protein ligase; plus strand). Cytogenetic location: 18q21.31.
Variant type: single nucleotide variant.
Coding change: c.764T>C on transcript NM_001144967.3 (MANE Select); coding-DNA position 764, T replaced by C.
Protein change: p.Ile255Thr; replaces isoleucine 255 with threonine.
Molecular consequence: missense variant.
Genome position (GRCh38, 1-based): chr18:58,329,078, T>C. VCF-style: chr18-58329078-T-C. GRCh37 (hg19) VCF-style: chr18-55996310-T-C.
Other names: c.401T>C, p.Ile134Thr (NM_001144964.1, NM_001144965.2, NM_001144966.3 and 2 more transcripts); c.740T>C, p.Ile247Thr (NM_001144968.2, NM_001144969.2); c.764T>C, p.Ile255Thr (NM_001243960.2, NM_015277.6); short protein forms I134T, I247T, I255T.
Identifiers: ClinVar variation 3338274 (VCV003338274.2).